The following is an entry in ClinVar:

NM_002691.4(POLD1):c.2527C>T (p.Leu843=)

Gene: POLD1 (DNA polymerase delta 1, catalytic subunit; plus strand). Cytogenetic location: 19q13.33.
Variant type: single nucleotide variant.
Coding change: c.2527C>T on transcript NM_002691.4 (MANE Select); coding-DNA position 2527, C replaced by T.
Protein change: p.Leu843=; no amino-acid change (leucine 843 retained).
Molecular consequence: synonymous variant. On other transcripts: non-coding transcript variant (1).
Genome position (GRCh38, 1-based): chr19:50,414,953, C>T. VCF-style: chr19-50414953-C-T. GRCh37 (hg19) VCF-style: chr19-50918210-C-T.
Other names: c.2527C>T, p.Leu843= (NM_001256849.1); c.2605C>T, p.Leu869= (NM_001308632.1).
Identifiers: ClinVar variation 537160 (VCV000537160.13), dbSNP rs1555792887, ClinGen allele CA508186242.

ClinVar aggregate classification (germline): Conflicting classifications of pathogenicity. Review status: criteria provided, conflicting classifications (1 of 4 stars). 3 submissions from 3 submitters: Uncertain significance (1); Likely benign (2). Last evaluated 2026-02-01.

Conditions:
POLD1-related polyposis and colorectal cancer syndrome (CRCS10). Also called: Colorectal cancer 10; COLORECTAL CANCER, SUSCEPTIBILITY TO, ON CHROMOSOME 19q; Colorectal cancer, susceptibility to, 10. Identifiers: Orphanet 220460, MedGen C2675481, MONDO:0012953, OMIM 612591.
Hereditary cancer-predisposing syndrome. Also called: Tumor predisposition; Neoplastic Syndromes, Hereditary; Hereditary Cancer Syndrome; Hereditary neoplastic syndrome. Identifiers: Orphanet 140162, MedGen C0027672, MeSH D009386, MONDO:0015356.

Allele frequency attached by ClinVar (database versions not stated): gnomAD exomes below 0.00001.
gnomAD v4.1: 1 of 1,606,072 alleles (0.000062%); highest among the groups gnomAD compares: East Asian, 0.0022%; no homozygotes.

Submissions (3):

Labcorp Genetics (formerly Invitae), Labcorp
Classification: Likely benign for POLD1-related polyposis and colorectal cancer syndrome. Last evaluated: 2026-02-01. Review status: criteria provided, single submitter. Criteria: Invitae Variant Classification Sherloc (09022015). Collection method: clinical testing. Allele origin: germline.

GeneDx
Classification: Uncertain significance. Last evaluated: 2023-06-07. Review status: criteria provided, single submitter. Criteria: GeneDx Variant Classification Process June 2021. Collection method: clinical testing. Allele origin: germline. Affected: yes.
Comment: Not observed at significant frequency in large population cohorts (gnomAD); In silico analysis supports that this variant does not alter splicing; Has not been previously published as pathogenic or benign to our knowledge

Ambry Genetics
Classification: Likely benign for Hereditary cancer-predisposing syndrome. Last evaluated: 2019-01-23. Review status: criteria provided, single submitter. Criteria: Ambry Variant Classification Scheme 2023. Collection method: clinical testing. Allele origin: germline.